The following is an entry in ClinVar:

ClinVar aggregate classification (germline): Uncertain significance (1 of 4 stars; one submission).

Conditions:
Developmental and epileptic encephalopathy 94 (DEE94). Also called: Epileptic encephalopathy, childhood-onset; CHD2-Related Neurodevelopmental Disorders. Identifiers: Orphanet 1942, Orphanet 2382, MedGen C3809278, MONDO:0014150, OMIM 615369.

Allele frequency attached by ClinVar (database versions not stated): gnomAD exomes below 0.00001 and 0.00001; ExAC 0.00001.
gnomAD v4.1: 1 of 1,606,800 alleles (0.000062%); highest among the groups gnomAD compares: Non-Finnish European, 0.000085%; no homozygotes.

Submission:

Labcorp Genetics (formerly Invitae), Labcorp
Classification: Uncertain significance for Developmental and epileptic encephalopathy 94. Last evaluated: 2025-08-01. Review status: criteria provided, single submitter. Criteria: Invitae Variant Classification Sherloc (09022015). Collection method: clinical testing. Allele origin: germline.
Comment: This sequence change falls in intron 33 of the CHD2 gene. It does not directly change the encoded amino acid sequence of the CHD2 protein. This variant is present in population databases (rs774362000, gnomAD 0.0009%). This variant has not been reported in the literature in individuals affected with CHD2-related conditions. ClinVar contains an entry for this variant (Variation ID: 1038887). Algorithms developed to predict the effect of sequence changes on RNA splicing suggest that this variant may disrupt the consensus splice site. In summary, the available evidence is currently insufficient to determine the role of this variant in disease. Therefore, it has been classified as a Variant of Uncertain Significance.

NM_001271.4(CHD2):c.4279-4A>G

Gene: CHD2 (chromodomain helicase DNA binding protein 2; plus strand). Cytogenetic location: 15q26.1.
Variant type: single nucleotide variant.
Coding change: c.4279-4A>G on transcript NM_001271.4 (MANE Select); 4 bases into the intron before coding-DNA position 4279, A replaced by G.
Molecular consequence: intron variant.
Genome position (GRCh38, 1-based): chr15:93,004,613, A>G. VCF-style: chr15-93004613-A-G. GRCh37 (hg19) VCF-style: chr15-93547843-A-G.
Identifiers: ClinVar variation 1038887 (VCV001038887.9), dbSNP rs774362000, ClinGen allele CA7748444.